The following is an entry in ClinVar:

ClinVar aggregate classification (germline): Pathogenic (1 of 4 stars; one submission).

Conditions:
Renal carnitine transport defect (CDSP). Also called: Carnitine transporter deficiency; Carnitine Deficiency, Systemic; Systemic primary carnitine deficiency disease; CARNITINE DEFICIENCY, SYSTEMIC, DUE TO DEFECT IN RENAL REABSORPTION OF CARNITINE; CARNITINE TRANSPORTER, PLASMA-MEMBRANE, DEFICIENCY OF; CARNITINE UPTAKE DEFECT. Identifiers: Orphanet 158, MedGen C0342788, MONDO:0008919, OMIM 212140.

Submission:

Labcorp Genetics (formerly Invitae), Labcorp
Classification: Pathogenic for Renal carnitine transport defect. Last evaluated: 2023-07-12. Review status: criteria provided, single submitter. Criteria: Invitae Variant Classification Sherloc (09022015). Collection method: clinical testing. Allele origin: unknown.
Comment: For these reasons, this variant has been classified as Pathogenic. This variant disrupts a region of the SLC22A5 protein in which other variant(s) (p.Ala380Val) have been determined to be pathogenic (PMID: 23520115, 33757571). This suggests that this is a clinically significant region of the protein, and that variants that disrupt it are likely to be disease-causing. This variant has not been reported in the literature in individuals affected with SLC22A5-related conditions. This variant results in the deletion of exon 8 and part of exon 7 (c.1109_1451-394del) of the SLC22A5 gene. It is expected to disrupt RNA splicing. Variants that disrupt the donor or acceptor splice site typically lead to a loss of protein function (PMID: 16199547), and loss-of-function variants in SLC22A5 are known to be pathogenic (PMID: 9916797).

Literature cited by the submitters: PubMed 23520115; PubMed 33757571; PubMed 16199547; PubMed 9916797.

NC_000005.9:g.(?_131726438)_(131728974_?)del

Gene: SLC22A5 (solute carrier family 22 member 5; plus strand). Cytogenetic location: 5q31.1.
Variant type: Deletion.
Identifiers: ClinVar variation 3246306 (VCV003246306.1).